The following is an entry in ClinVar:

ClinVar aggregate classification (germline): Conflicting classifications of pathogenicity. Review status: criteria provided, conflicting classifications (1 of 4 stars). 2 submissions from 2 submitters: Pathogenic (1); Uncertain significance (1). Last evaluated 2025-09-12.

Conditions:
3-hydroxy-3-methylglutaryl-CoA synthase deficiency (HMGCS2D). Also called: HMG-CoA synthase-2 deficiency; HMGCS2 DEFICIENCY; MITOCHONDRIAL HMG-CoA SYNTHASE DEFICIENCY. Identifiers: Orphanet 35701, MedGen C2751532, MONDO:0011614, OMIM 605911.

Allele frequency attached by ClinVar (database versions not stated): ExAC 0.00001; TOPMed 0.00001; gnomAD 0.00002; gnomAD exomes 0.00002.
gnomAD v4.1: 30 of 1,613,780 alleles (0.0019%); highest among the groups gnomAD compares: East Asian, 0.0067%; no homozygotes.

Submissions (2):

Women's Health and Genetics/Laboratory Corporation of America, LabCorp
Classification: Pathogenic for 3-hydroxy-3-methylglutaryl-CoA synthase deficiency. Last evaluated: 2025-09-12. Review status: criteria provided, single submitter. Criteria: LabCorp Variant Classification Summary - May 2015. Collection method: clinical testing. Allele origin: germline.
Comment: Variant summary: HMGCS2 c.1498C>T (p.Arg500Cys) results in a non-conservative amino acid change in the encoded protein sequence. Algorithms developed to predict the effect of missense changes on protein structure and function all suggest that this variant is likely to be disruptive. The variant allele was found at a frequency of 1.2e-05 in 251332 control chromosomes. c.1498C>T has been observed in at-least one presumed compound heterozygous individual affected with 3-hydroxy-3-methylglutaryl-CoA synthase deficiency (example: Ago_2020). These data indicate that the variant may be associated with disease. At least one publication reports experimental evidence evaluating an impact on protein function and variant effect results in significantly reduced residual enzyme activity (Ago_2020). A same codon missense variant resulting in different amino acid change, c.1499G>A (p.Arg500His) has been reported in individuals with 3-hydroxy-3-methylglutaryl-CoA synthase deficiency and has been classified as pathogenic. The following publication has been ascertained in the context of this evaluation (PMID: 32952630). ClinVar contains an entry for this variant (Variation ID: 2911808). Based on the evidence outlined above, the variant was classified as pathogenic.

Labcorp Genetics (formerly Invitae), Labcorp
Classification: Uncertain significance for 3-hydroxy-3-methylglutaryl-CoA synthase deficiency. Last evaluated: 2024-01-24. Review status: criteria provided, single submitter. Criteria: Invitae Variant Classification Sherloc (09022015). Collection method: clinical testing. Allele origin: germline.
Comment: This sequence change replaces arginine, which is basic and polar, with cysteine, which is neutral and slightly polar, at codon 500 of the HMGCS2 protein (p.Arg500Cys). This variant is present in population databases (rs756539895, gnomAD 0.003%). This missense change has been observed in individual(s) with 3-hydroxy-3-methylglutaryl-CoA synthase deficiency (PMID: 32952630). Advanced modeling of protein sequence and biophysical properties (such as structural, functional, and spatial information, amino acid conservation, physicochemical variation, residue mobility, and thermodynamic stability) has been performed at Invitae for this missense variant, however the output from this modeling did not meet the statistical confidence thresholds required to predict the impact of this variant on HMGCS2 protein function. Experimental studies have shown that this missense change affects HMGCS2 function (PMID: 32952630). This variant disrupts the p.Arg500 amino acid residue in HMGCS2. Other variant(s) that disrupt this residue have been determined to be pathogenic (PMID: 11479731, 23751782, 32952630). This suggests that this residue is clinically significant, and that variants that disrupt this residue are likely to be disease-causing. In summary, the available evidence is currently insufficient to determine the role of this variant in disease. Therefore, it has been classified as a Variant of Uncertain Significance.

Literature cited by the submitters: PubMed 32952630 (cited by Women's Health and Genetics/Laboratory Corporation of America, LabCorp and Labcorp Genetics (formerly Invitae), Labcorp); PubMed 11479731 (cited by Labcorp Genetics (formerly Invitae), Labcorp); PubMed 23751782 (cited by Labcorp Genetics (formerly Invitae), Labcorp).

NM_005518.4(HMGCS2):c.1498C>T (p.Arg500Cys)

Gene: HMGCS2 (3-hydroxy-3-methylglutaryl-CoA synthase 2; minus strand). Cytogenetic location: 1p12.
Variant type: single nucleotide variant.
Coding change: c.1498C>T on transcript NM_005518.4 (MANE Select); coding-DNA position 1498, C replaced by T.
Protein change: p.Arg500Cys; replaces arginine 500 with cysteine.
Molecular consequence: missense variant.
Genome position (GRCh38, 1-based): chr1:119,750,831, G>A on the plus strand (C>T on the coding strand, the complement: HMGCS2 is on the minus strand). VCF-style: chr1-119750831-G-A. GRCh37 (hg19) VCF-style: chr1-120293454-G-A.
Other names: c.1372C>T, p.Arg458Cys (NM_001166107.1); short protein forms R500C, R458C.
Identifiers: ClinVar variation 2911808 (VCV002911808.4), dbSNP rs756539895, ClinGen allele CA1037522.